The following is an entry in ClinVar:

NM_006393.3(NEBL):c.255T>C (p.Ser85=)

Gene: NEBL (nebulette; minus strand). Cytogenetic location: 10p12.31.
Variant type: single nucleotide variant.
Coding change: c.255T>C on transcript NM_006393.3 (MANE Select); coding-DNA position 255, T replaced by C.
Protein change: p.Ser85=; no amino-acid change (serine 85 retained).
Molecular consequence: synonymous variant. On other transcripts: intron variant (9).
Genome position (GRCh38, 1-based): chr10:20,889,848, A>G on the plus strand (T>C on the coding strand, the complement: NEBL is on the minus strand). VCF-style: chr10-20889848-A-G. GRCh37 (hg19) VCF-style: chr10-21178777-A-G.
Other names: c.249+71824T>C (NM_001377326.1, NM_001377327.1, NM_001377328.1); c.357+71824T>C (NM_213569.2, NM_001173484.2, NM_001377322.1); c.300+71824T>C (NM_001377324.1); c.291+71824T>C (NM_001377325.1); c.309+71824T>C (NM_001377323.1).
Identifiers: ClinVar variation 178827 (VCV000178827.5), dbSNP rs727504471, ClinGen allele CA183111.
Genomic context (GRCh38, chr10:20,889,848, plus strand): 5'-TCTATATAATAAGAAAAAGATAAATGCAAGCCAGTTTGCAAGCTTTTGATACCTTACCTC[A>G]GAAATAAAAGCACCGATATTTTTTACATGGTTTAGCATAGGACTGTCAGTCACAAATGTA-3'
Protein context (NP_006384.1, residues 75-95): NHVKNIGAFI[Ser85=]EAKYKGTIKA

ClinVar aggregate classification (germline): Likely benign (1 of 4 stars; one submission).

Allele frequency attached by ClinVar (database versions not stated): gnomAD exomes below 0.00001 and 0.00002; ExAC 0.00001; gnomAD 0.00001; TOPMed 0.00001.
gnomAD v4.1: 22 of 1,600,920 alleles (0.0014%); highest among the groups gnomAD compares: Non-Finnish European, 0.0019%; no homozygotes.

Submission:

Laboratory for Molecular Medicine, Mass General Brigham Personalized Medicine
Classification: Likely benign. Last evaluated: 2013-03-26. Review status: criteria provided, single submitter. Criteria: LMM Criteria. Collection method: clinical testing. Allele origin: germline. Observed: 1 variant allele.
Comment: Ser85Ser in exon 3 of NEBL: This variant is not expected to have clinical signif icance because it does not alter an amino acid residue and is not located within the splice consensus sequence. Ser85Ser in exon 3 of NEBL (allele frequency = n/a)